The following is an entry in ClinVar:

ClinVar aggregate classification (germline): Uncertain significance (1 of 4 stars; one submission).

Conditions:
Malignant hyperthermia, susceptibility to, 1 (MHS1). Also called: Anesthesia related hyperthermia; Malignant hyperpyrexia; Fulminating hyperpyrexia; Pharmacogenic myopathy; Malignant hyperthermia suceptibility 1; RYR1-Related Malignant Hyperthermia Susceptibility. Identifiers: Orphanet 423, MedGen C2930980, MONDO:0007783, OMIM 145600.

Submission:

All of Us Research Program, National Institutes of Health
Classification: Uncertain significance for Malignant hyperthermia, susceptibility to, 1. Last evaluated: 2024-03-05. Review status: criteria provided, single submitter. Criteria: ACMG Guidelines, 2015. Collection method: clinical testing. Allele origin: germline. Inheritance: Autosomal dominant inheritance. Observed: 1 variant allele, 1 heterozygote.
Comment: This study involves interpretation of variants in research participants for the purpose of population health screening. Participant phenotype was not available at the time of variant classification. Additional details can be found in publication PMID: 35346344, PMCID: PMC8962531

NM_000540.3(RYR1):c.12250C>G (p.Arg4084Gly)

Gene: RYR1 (ryanodine receptor 1; plus strand). Cytogenetic location: 19q13.2.
Variant type: single nucleotide variant.
Coding change: c.12250C>G on transcript NM_000540.3 (MANE Select); coding-DNA position 12250, C replaced by G.
Protein change: p.Arg4084Gly; replaces arginine 4084 with glycine.
Molecular consequence: missense variant.
Genome position (GRCh38, 1-based): chr19:38,548,388, C>G. VCF-style: chr19-38548388-C-G. GRCh37 (hg19) VCF-style: chr19-39039028-C-G.
Other names: c.12235C>G, p.Arg4079Gly (NM_001042723.2); short protein forms R4079G, R4084G.
Identifiers: ClinVar variation 3385576 (VCV003385576.1).
Genomic context (GRCh38, chr19:38,548,388, plus strand): 5'-TTCCTGAAACTCAAGGACATTGTGGGCTCTGAAGCCTTCCAGGACTACGTAACGGATCCC[C>G]GTGGCCTCATCTCCAAGAAGGACTTCCAGAAGGTGGGTGTGGGACATCGTGTGGGCCCAG-3'
Protein context (NP_000531.2, residues 4074-4094): EAFQDYVTDP[Arg4084Gly]GLISKKDFQK